The following is an entry in ClinVar:

ClinVar aggregate classification (germline): Likely pathogenic (1 of 4 stars; one submission).

Conditions:
Peroxisome biogenesis disorder 9B. Also called: PEX7-Related Refsum Disease; Refsum disease, adult, 2; PEROXISOME BIOGENESIS DISORDER, PEX7-RELATED, ATYPICAL. Identifiers: Orphanet 773, MedGen C2749346, MONDO:0013945, OMIM 614879.

Submission:

Labcorp Genetics (formerly Invitae), Labcorp
Classification: Likely pathogenic for Peroxisome biogenesis disorder 9B. Last evaluated: 2023-01-13. Review status: criteria provided, single submitter. Criteria: Invitae Variant Classification Sherloc (09022015). Collection method: clinical testing. Allele origin: germline.
Comment: In summary, the currently available evidence indicates that the variant is pathogenic, but additional data are needed to prove that conclusively. Therefore, this variant has been classified as Likely Pathogenic. Algorithms developed to predict the effect of sequence changes on RNA splicing suggest that this variant may disrupt the consensus splice site. This variant has not been reported in the literature in individuals affected with PEX7-related conditions. This variant is not present in population databases (gnomAD no frequency). This sequence change affects a donor splice site in intron 7 of the PEX7 gene. It is expected to disrupt RNA splicing. Variants that disrupt the donor or acceptor splice site typically lead to a loss of protein function (PMID: 16199547), and loss-of-function variants in PEX7 are known to be pathogenic (PMID: 12325024, 12522768, 20301447).

Literature cited by the submitters: PubMed 16199547; PubMed 12325024; PubMed 12522768; PubMed 20301447.

NM_000288.4(PEX7):c.747+2T>A

Gene: PEX7 (peroxisomal biogenesis factor 7; plus strand). Cytogenetic location: 6q23.3.
Variant type: single nucleotide variant.
Coding change: c.747+2T>A on transcript NM_000288.4 (MANE Select); the canonical splice donor site of the intron after coding-DNA position 747, T replaced by A.
Molecular consequence: splice donor variant.
Genome position (GRCh38, 1-based): chr6:136,870,005, T>A. VCF-style: chr6-136870005-T-A. GRCh37 (hg19) VCF-style: chr6-137191143-T-A.
Other names: c.633+2T>A (NM_001410945.1).
Identifiers: ClinVar variation 2828287 (VCV002828287.3), dbSNP rs2548095423, ClinGen allele CA365764165.